The following is an entry in ClinVar:

NM_001136035.4(TRMT1):c.1799G>A (p.Arg600Gln)

Gene: TRMT1 (tRNA methyltransferase 1; minus strand). Cytogenetic location: 19p13.13.
Variant type: single nucleotide variant.
Coding change: c.1799G>A on transcript NM_001136035.4 (MANE Select); coding-DNA position 1799, G replaced by A.
Protein change: p.Arg600Gln; replaces arginine 600 with glutamine.
Molecular consequence: missense variant.
Genome position (GRCh38, 1-based): chr19:13,105,301, C>T on the plus strand (G>A on the coding strand, the complement: TRMT1 is on the minus strand). VCF-style: chr19-13105301-C-T. GRCh37 (hg19) VCF-style: chr19-13216115-C-T.
Other names: c.1712G>A, p.Arg571Gln (NM_001142554.3, NM_001351760.2); c.1691G>A, p.Arg564Gln (NM_001351761.2); c.1016G>A, p.Arg339Gln (NM_001351762.2); c.1799G>A, p.Arg600Gln (NM_017722.5); short protein forms R339Q, R564Q, R571Q, R600Q.
Identifiers: ClinVar variation 3025195 (VCV003025195.22), dbSNP rs150832090, ClinGen allele CA9237494.

ClinVar aggregate classification (germline): Likely benign (1 of 4 stars; one submission).

Allele frequency attached by ClinVar (database versions not stated): gnomAD exomes 0.00046; ExAC 0.00117; gnomAD 0.00336; TOPMed 0.00369; 1000 Genomes Project 30x 0.00390; ESP Exome Variant Server 0.00392; 1000 Genomes Project 0.00419.
gnomAD v4.1: 1,214 of 1,614,010 alleles (0.075%); highest among the groups gnomAD compares: African/African-American, 1.1%; 4 homozygotes.

Submission:

CeGaT Center for Human Genetics Tuebingen
Classification: Likely benign. Last evaluated: 2026-05-01. Review status: criteria provided, single submitter. Criteria: CeGaT Center For Human Genetics Tuebingen Variant Classification Criteria Version 2. Collection method: clinical testing. Allele origin: germline. Affected: yes. Observed: 4 variant alleles.
Comment: TRMT1: BP4, BS1